The following is an entry in ClinVar:

ClinVar aggregate classification (germline): Uncertain significance (1 of 4 stars; one submission).

Conditions:
Spastic paraplegia. Identifiers: MedGen C0037772, HP:0001258.

Allele frequency attached by ClinVar (database versions not stated): gnomAD 0.00001; gnomAD exomes 0.00001.
gnomAD v4.1: 15 of 1,614,062 alleles (0.00093%); highest among the groups gnomAD compares: South Asian, 0.0033%; no homozygotes.

Submission:

Labcorp Genetics (formerly Invitae), Labcorp
Classification: Uncertain significance for Spastic paraplegia. Last evaluated: 2026-01-27. Review status: criteria provided, single submitter. Criteria: Invitae Variant Classification Sherloc (09022015). Collection method: clinical testing. Allele origin: germline.
Comment: This sequence change replaces arginine, which is basic and polar, with glutamine, which is neutral and polar, at codon 2083 of the ZFYVE26 protein (p.Arg2083Gln). This variant is present in population databases (no rsID available, gnomAD 0.008%). This variant has not been reported in the literature in individuals affected with ZFYVE26-related conditions. ClinVar contains an entry for this variant (Variation ID: 2152206). An algorithm developed to predict the effect of missense changes on protein structure and function (PolyPhen-2) suggests that this variant is likely to be disruptive. In summary, the available evidence is currently insufficient to determine the role of this variant in disease. Therefore, it has been classified as a Variant of Uncertain Significance.

NM_015346.4(ZFYVE26):c.6248G>A (p.Arg2083Gln)

Gene: ZFYVE26 (zinc finger FYVE-type containing 26; minus strand). Cytogenetic location: 14q24.1.
Variant type: single nucleotide variant.
Coding change: c.6248G>A on transcript NM_015346.4 (MANE Select); coding-DNA position 6248, G replaced by A.
Protein change: p.Arg2083Gln; replaces arginine 2083 with glutamine.
Molecular consequence: missense variant.
Genome position (GRCh38, 1-based): chr14:67,762,324, C>T on the plus strand (G>A on the coding strand, the complement: ZFYVE26 is on the minus strand). VCF-style: chr14-67762324-C-T. GRCh37 (hg19) VCF-style: chr14-68229041-C-T.
Other names: short protein forms R2083Q.
Identifiers: ClinVar variation 2152206 (VCV002152206.2), dbSNP rs1296916391, ClinGen allele CA390164057.
Genomic context (GRCh38, chr14:67,762,324, plus strand): 5'-GAGCCATGATTCAGCTGATTGAGGTCAAATGGGGGCTTCAGACAGCGACTGAACTTCTCC[C>T]GTGCAGCAGTGAGGTTCCCGGCTTTGAGGCAGGCCATGCCCCAAGCATGCCACGCCCCGG-3'
Protein context (NP_056161.2, residues 2073-2093): CLKAGNLTAA[Arg2083Gln]EKFSRCLKPP